The following is an entry in ClinVar:

ClinVar aggregate classification (germline): Conflicting classifications of pathogenicity. Review status: criteria provided, conflicting classifications (1 of 4 stars). 3 submissions from 3 submitters: Uncertain significance (2); Likely benign (1). Last evaluated 2026-09-21.

Conditions:
TTN-related disorder. Also called: TTN-related disorders; TTN-related condition; TTN-related disease.
Dilated cardiomyopathy 1G (CMD1G). Identifiers: Orphanet 154, MedGen C1858763, MONDO:0011400, OMIM 604145.
Autosomal recessive limb-girdle muscular dystrophy type 2J (LGMDR10). Also called: Limb-girdle muscular dystrophy, type 2J; MUSCULAR DYSTROPHY, LIMB-GIRDLE, AUTOSOMAL RECESSIVE 10. Identifiers: Orphanet 140922, MedGen C1837342, MONDO:0012127, OMIM 608807.

Allele frequency attached by ClinVar (database versions not stated): gnomAD 0.00002; gnomAD exomes 0.00001; TOPMed 0.00002.
gnomAD v4.1: 18 of 1,613,992 alleles (0.0011%); highest among the groups gnomAD compares: African/African-American, 0.0067%; no homozygotes.

Submissions (3):

Molecular Diagnostic Laboratory for Inherited Cardiovascular Disease, Montreal Heart Institute
Classification: Likely benign. Last evaluated: 2026-09-21. Review status: criteria provided, single submitter. Criteria: ACMG Guidelines, 2015. Collection method: clinical testing. Allele origin: germline. Affected: no.
Comment: BP1

PreventionGenetics, part of Exact Sciences
Classification: Uncertain significance for TTN-related condition. Last evaluated: 2026-04-14. Review status: criteria provided, single submitter. Criteria: ACMG Guidelines, 2015. Collection method: clinical testing. Allele origin: germline.
Comment: The TTN c.205G>A variant is predicted to result in the amino acid substitution p.Ala69Thr. To our knowledge, this variant has not been reported in the literature. This variant is reported in 0.0040% of alleles in individuals of African descent in gnomAD. At this time, the clinical significance of this variant is uncertain due to the absence of conclusive functional and genetic evidence.

Labcorp Genetics (formerly Invitae), Labcorp
Classification: Uncertain significance for Dilated cardiomyopathy 1G; Autosomal recessive limb-girdle muscular dystrophy type 2J. Last evaluated: 2017-11-23. Review status: criteria provided, single submitter. Criteria: Invitae Variant Classification Sherloc (09022015). Collection method: clinical testing. Allele origin: germline.

NM_001267550.2(TTN):c.205G>A (p.Ala69Thr)

Gene: TTN (titin; minus strand). Cytogenetic location: 2q31.2.
Variant type: single nucleotide variant.
Coding change: c.205G>A on transcript NM_001267550.2 (MANE Select); coding-DNA position 205, G replaced by A.
Protein change: p.Ala69Thr; replaces alanine 69 with threonine.
Molecular consequence: missense variant.
Genome position (GRCh38, 1-based): chr2:178,802,228, C>T on the plus strand (G>A on the coding strand, the complement: TTN is on the minus strand). VCF-style: chr2-178802228-C-T. GRCh37 (hg19) VCF-style: chr2-179666955-C-T.
Other names: c.205G>A, p.Ala69Thr (NM_001256850.1, NM_003319.4, NM_133378.4 and 3 more transcripts); short protein forms A69T.
Identifiers: ClinVar variation 535458 (VCV000535458.5), dbSNP rs1370693255, ClinGen allele CA349530855.